The following is an entry in ClinVar:

NM_001010867.4(IBA57):c.262dup (p.Ala88fs)

Gene: IBA57 (iron-sulfur cluster assembly factor IBA57; plus strand). Cytogenetic location: 1q42.13.
Variant type: Duplication.
Coding change: c.262dup on transcript NM_001010867.4 (MANE Select); coding-DNA position 262, one base duplicated (G; older notation c.262dupG).
Protein change: p.Ala88fs; shifts the reading frame from alanine 88.
Molecular consequence: frameshift variant.
Genome position (GRCh38, 1-based): chr1:228,166,078, G duplicated; the last of 5 consecutive G bases (chr1:228,166,074-228,166,078); duplicating any one gives the same sequence. VCF-style (leftmost placement, unchanged base first): chr1-228166073-C-CG. GRCh37 (hg19) VCF-style: chr1-228353774-C-CG.
Other names: c.262dupG (NM_001010867.3); short protein forms A88fs.
Identifiers: ClinVar variation 1064623 (VCV001064623.6), dbSNP rs1558123212, ClinGen allele CA529465602.

ClinVar aggregate classification (germline): Pathogenic/Likely pathogenic. Review status: criteria provided, multiple submitters, no conflicts (2 of 4 stars). 3 submissions from 3 submitters: Pathogenic (2); Likely pathogenic (1). Last evaluated 2022-07-10.

Conditions:
Multiple mitochondrial dysfunctions syndrome 3 (MMDS3). Identifiers: Orphanet 363424, MedGen C3809165, MONDO:0014132, OMIM 615330.
Hereditary spastic paraplegia 74. Also called: Spastic paraplegia 74, autosomal recessive. Identifiers: Orphanet 468661, MedGen C5568837, MONDO:0014644, OMIM 616451.

Submissions (3):

Labcorp Genetics (formerly Invitae), Labcorp
Classification: Pathogenic for Multiple mitochondrial dysfunctions syndrome 3; Hereditary spastic paraplegia 74. Last evaluated: 2022-07-10. Review status: criteria provided, single submitter. Criteria: Invitae Variant Classification Sherloc (09022015). Collection method: clinical testing. Allele origin: germline.
Comment: This sequence change creates a premature translational stop signal (p.Ala88Glyfs*22) in the IBA57 gene. It is expected to result in an absent or disrupted protein product. Loss-of-function variants in IBA57 are known to be pathogenic (PMID: 23462291, 25971455, 27785568, 28671726). This variant is present in population databases (no rsID available, gnomAD 0.002%). This variant has not been reported in the literature in individuals affected with IBA57-related conditions. ClinVar contains an entry for this variant (Variation ID: 1064623). For these reasons, this variant has been classified as Pathogenic.

Victorian Clinical Genetics Services, Murdoch Childrens Research Institute
Classification: Pathogenic for Hereditary spastic paraplegia 74. Last evaluated: 2021-05-06. Review status: criteria provided, single submitter. Criteria: ACMG Guidelines, 2015. Collection method: clinical testing. Allele origin: germline. Inheritance: Autosomal recessive inheritance.
Comment: Based on the classification scheme VCGS_Germline_v1.3.4, this variant is classified as Pathogenic. Following criteria are met: 0102 - Loss of function is a known mechanism of disease in this gene and is associated with Spastic paraplegia 74 (MIM#616451). (I) 0106 - This gene is associated with autosomal recessive disease. (I) 0201 - Variant is predicted to cause nonsense-mediated decay (NMD) and loss of protein (premature termination codon is located at least 54 nucleotides upstream of the final exon-exon junction). (SP) 0251 - This variant is heterozygous. (I) 0304 - Variant is present in gnomAD (v2) <0.01 for a recessive condition (1 heterozygotes, 0 homozygotes). (SP) 0702 - Other NMD predicted variants comparable to the one identified in this case have strong previous evidence for pathogenicity (ClinVar, PMID: 27785568, 30258207). (SP) 0807 - This variant has no previous evidence of pathogenicity. (I) 0905 - No published segregation evidence has been identified for this variant. (I) 1007 - No published functional evidence has been identified for this variant. (I) 1201 - Heterozygous variant detected in trans with a second likely pathogenic heterozygous variant (p.(Pro229Glyfs*53)) in a recessive disease. (I) Legend: (SP) - Supporting pathogenic, (I) - Information, (SB) - Supporting benign

Kids Neuroscience Centre, Sydney Children's Hospitals Network
Classification: Likely pathogenic for Hereditary spastic paraplegia 74. Review status: criteria provided, single submitter. Criteria: Bournazos AM et al. (Genet Med 2021). Collection method: clinical testing. Allele origin: paternal, maternal, unknown. Inheritance: Autosomal recessive inheritance. Affected: yes and no. Observed: 1 heterozygote, 2 compound heterozygotes.
Comment: Transcripts are predicted to be targeted by nonsense-mediated decay (NMD). Any IBA57 transcripts escaping NMD encode a truncated IBA57 protein lacking 268 amino acids from the C-terminus.

Literature cited by the submitters: PubMed 23462291 (cited by Labcorp Genetics (formerly Invitae), Labcorp); PubMed 25971455 (cited by Labcorp Genetics (formerly Invitae), Labcorp); PubMed 27785568 (cited by Labcorp Genetics (formerly Invitae), Labcorp and Victorian Clinical Genetics Services, Murdoch Childrens Research Institute); PubMed 28671726 (cited by Labcorp Genetics (formerly Invitae), Labcorp); PubMed 30258207 (cited by Victorian Clinical Genetics Services, Murdoch Childrens Research Institute).